The following is an entry in ClinVar:

ClinVar aggregate classification (germline): Uncertain significance (1 of 4 stars; one submission).

Submission:

Labcorp Genetics (formerly Invitae), Labcorp
Classification: Uncertain significance. Last evaluated: 2023-07-14. Review status: criteria provided, single submitter. Criteria: Invitae Variant Classification Sherloc (09022015). Collection method: clinical testing. Allele origin: germline.
Comment: In summary, the available evidence is currently insufficient to determine the role of this variant in disease. Therefore, it has been classified as a Variant of Uncertain Significance. Advanced modeling of protein sequence and biophysical properties (such as structural, functional, and spatial information, amino acid conservation, physicochemical variation, residue mobility, and thermodynamic stability) performed at Invitae indicates that this missense variant is not expected to disrupt CUL3 protein function. This variant has not been reported in the literature in individuals affected with CUL3-related conditions. This variant is not present in population databases (gnomAD no frequency). This sequence change replaces arginine, which is basic and polar, with lysine, which is basic and polar, at codon 608 of the CUL3 protein (p.Arg608Lys).

NM_003590.5(CUL3):c.1823G>A (p.Arg608Lys)

Gene: CUL3 (cullin 3; minus strand). Cytogenetic location: 2q36.2.
Variant type: single nucleotide variant.
Coding change: c.1823G>A on transcript NM_003590.5 (MANE Select); coding-DNA position 1823, G replaced by A.
Protein change: p.Arg608Lys; replaces arginine 608 with lysine.
Molecular consequence: missense variant.
Genome position (GRCh38, 1-based): chr2:224,495,851, C>T on the plus strand (G>A on the coding strand, the complement: CUL3 is on the minus strand). VCF-style: chr2-224495851-C-T. GRCh37 (hg19) VCF-style: chr2-225360568-C-T.
Other names: c.1625G>A, p.Arg542Lys (NM_001257197.2); c.1841G>A, p.Arg614Lys (NM_001257198.2); short protein forms R614K, R542K, R608K.
Identifiers: ClinVar variation 2743334 (VCV002743334.3), dbSNP rs2106179600, ClinGen allele CA350824533.